The following is an entry in ClinVar:

ClinVar aggregate classification (germline): Uncertain significance (1 of 4 stars; one submission).

Submission:

Labcorp Genetics (formerly Invitae), Labcorp
Classification: Uncertain significance. Last evaluated: 2025-07-14. Review status: criteria provided, single submitter. Criteria: Invitae Variant Classification Sherloc (09022015). Collection method: clinical testing. Allele origin: germline.
Comment: This sequence change replaces arginine, which is basic and polar, with methionine, which is neutral and non-polar, at codon 535 of the TRPC3 protein (p.Arg535Met). This variant is not present in population databases (gnomAD no frequency). This variant has not been reported in the literature in individuals affected with TRPC3-related conditions. Invitae Evidence Modeling of protein sequence and biophysical properties (such as structural, functional, and spatial information, amino acid conservation, physicochemical variation, residue mobility, and thermodynamic stability) indicates that this missense variant is not expected to disrupt TRPC3 protein function with a negative predictive value of 80%. In summary, the available evidence is currently insufficient to determine the role of this variant in disease. Therefore, it has been classified as a Variant of Uncertain Significance.

NM_001130698.2(TRPC3):c.1604G>T (p.Arg535Met)

Gene: TRPC3 (transient receptor potential cation channel subfamily C member 3; minus strand). Cytogenetic location: 4q27.
Variant type: single nucleotide variant.
Coding change: c.1604G>T on transcript NM_001130698.2 (MANE Select); coding-DNA position 1604, G replaced by T.
Protein change: p.Arg535Met; replaces arginine 535 with methionine.
Molecular consequence: missense variant.
Genome position (GRCh38, 1-based): chr4:121,910,342, C>A on the plus strand (G>T on the coding strand, the complement: TRPC3 is on the minus strand). VCF-style: chr4-121910342-C-A. GRCh37 (hg19) VCF-style: chr4-122831497-C-A.
Other names: c.1604G>T, p.Arg535Met (NM_001366479.2); c.1385G>T, p.Arg462Met (NM_003305.2); short protein forms R462M, R535M.
Identifiers: ClinVar variation 4741072 (VCV004741072.1).